The following is an entry in ClinVar:

ClinVar aggregate classification (germline): Uncertain significance (1 of 4 stars; one submission).

Submission:

Labcorp Genetics (formerly Invitae), Labcorp
Classification: Uncertain significance. Last evaluated: 2021-02-15. Review status: criteria provided, single submitter. Criteria: Invitae Variant Classification Sherloc (09022015). Collection method: clinical testing. Allele origin: germline.
Comment: This sequence change replaces alanine with threonine at codon 250 of the RNF43 protein (p.Ala250Thr). The alanine residue is moderately conserved and there is a small physicochemical difference between alanine and threonine. This variant is not present in population databases (ExAC no frequency). This variant has not been reported in the literature in individuals with RNF43-related conditions. Algorithms developed to predict the effect of missense changes on protein structure and function output the following: SIFT: "Deleterious"; PolyPhen-2: "Benign"; Align-GVGD: "Class C0". The threonine amino acid residue is found in multiple mammalian species, suggesting that this missense change does not adversely affect protein function. These predictions have not been confirmed by published functional studies and their clinical significance is uncertain. In summary, the available evidence is currently insufficient to determine the role of this variant in disease. Therefore, it has been classified as a Variant of Uncertain Significance.

NM_017763.6(RNF43):c.748G>A (p.Ala250Thr)

Gene: RNF43 (ring finger protein 43; minus strand). Cytogenetic location: 17q22.
Variant type: single nucleotide variant.
Coding change: c.748G>A on transcript NM_017763.6 (MANE Select); coding-DNA position 748, G replaced by A.
Protein change: p.Ala250Thr; replaces alanine 250 with threonine.
Molecular consequence: missense variant.
Genome position (GRCh38, 1-based): chr17:58,360,884, C>T on the plus strand (G>A on the coding strand, the complement: RNF43 is on the minus strand). VCF-style: chr17-58360884-C-T. GRCh37 (hg19) VCF-style: chr17-56438245-C-T.
Other names: c.748G>A, p.Ala250Thr (NM_001305544.3); c.367G>A, p.Ala123Thr (NM_001305545.2); short protein forms A123T, A250T.
Identifiers: ClinVar variation 1510343 (VCV001510343.8), dbSNP rs1972821601, ClinGen allele CA400333962.